The following is an entry in ClinVar:

ClinVar aggregate classification (germline): Uncertain significance. Review status: criteria provided, multiple submitters, no conflicts (2 of 4 stars). 2 submissions from 2 submitters: Uncertain significance (2). Last evaluated 2024-08-30.

Conditions:
Amyotrophic lateral sclerosis (ALS). Also called: Lou Gehrig disease; Charcot disease. Identifiers: Orphanet 803, MedGen C0002736, MONDO:0004976, HP:0007354.

Submissions (2):

Department of Human Genetics, Hannover Medical School
Classification: Uncertain significance for Amyotrophic lateral sclerosis. Last evaluated: 2024-08-30. Review status: criteria provided, single submitter. Criteria: ACMG Guidelines, 2015. Collection method: clinical testing. Allele origin: germline. Affected: yes.

GeneDx
Classification: Uncertain significance. Last evaluated: 2022-03-03. Review status: criteria provided, single submitter. Criteria: GeneDx Variant Classification Process June 2021. Collection method: clinical testing. Allele origin: germline. Affected: yes.
Comment: Not observed at significant frequency in large population cohorts (gnomAD); In silico analysis supports that this missense variant has a deleterious effect on protein structure/function; Has not been previously published as pathogenic or benign to our knowledge; Variants in candidate genes are classified as variants of uncertain significance in accordance with ACMG guidelines (Richards et al., 2015)

NM_001080421.3(UNC13A):c.2318G>A (p.Arg773Gln)

Gene: UNC13A (unc-13 homolog A; minus strand). Cytogenetic location: 19p13.11.
Variant type: single nucleotide variant.
Coding change: c.2318G>A on transcript NM_001080421.3 (MANE Select); coding-DNA position 2318, G replaced by A.
Protein change: p.Arg773Gln; replaces arginine 773 with glutamine.
Molecular consequence: missense variant.
Genome position (GRCh38, 1-based): chr19:17,645,712, C>T on the plus strand (G>A on the coding strand, the complement: UNC13A is on the minus strand). VCF-style: chr19-17645712-C-T. GRCh37 (hg19) VCF-style: chr19-17756521-C-T.
Other names: c.2312G>A, p.Arg771Gln (NM_001387021.1, NM_001387022.1, NM_001387023.1); short protein forms R771Q, R773Q.
Identifiers: ClinVar variation 1804618 (VCV001804618.2), dbSNP rs1599371426, ClinGen allele CA404721158.